The following is an entry in ClinVar:

ClinVar aggregate classification (germline): Uncertain significance. Review status: criteria provided, multiple submitters, no conflicts (2 of 4 stars). 5 submissions from 5 submitters: Uncertain significance (5). Last evaluated 2025-03-02.

Conditions:
Drash syndrome (DDS). Also called: NEPHROPATHY, WILMS TUMOR, AND GENITAL ANOMALIES; WILMS TUMOR AND PSEUDO- OR TRUE HERMAPHRODITISM. Identifiers: Orphanet 220, MedGen C0950121, MONDO:0008682, OMIM 194080.
Frasier syndrome. Identifiers: Orphanet 347, MedGen C0950122, MeSH D052159, MONDO:0007635, OMIM 136680.
Wilms tumor 1 (WT1). Also called: Wilms tumor, somatic. Identifiers: Orphanet 654, MedGen CN033288, MONDO:0008679, OMIM 194070.
11p partial monosomy syndrome (WAGR). Also called: WAGR Complex; WAGR syndrome; WAGR Spectrum Disorder; CHROMOSOME 11p13 DELETION SYNDROME. Identifiers: Orphanet 893, MedGen C0206115, MONDO:0008681, OMIM 194072.
Inborn genetic diseases. Identifiers: MedGen C0950123, MeSH D030342.

Allele frequency attached by ClinVar (database versions not stated): TOPMed below 0.00001.
gnomAD v4.1: 4 of 1,520,520 alleles (0.00026%); highest among the groups gnomAD compares: Non-Finnish European, 0.00035%; no homozygotes.

Submissions (5):

Ambry Genetics
Classification: Uncertain significance for Inborn genetic diseases. Last evaluated: 2025-03-02. Review status: criteria provided, single submitter. Criteria: Ambry Variant Classification Scheme 2023. Collection method: clinical testing. Allele origin: germline.
Comment: The p.A61E variant (also known as c.182C>A), located in coding exon 1 of the WT1 gene, results from a C to A substitution at nucleotide position 182. The alanine at codon 61 is replaced by glutamic acid, an amino acid with dissimilar properties. This amino acid position is conserved. In addition, this alteration is predicted to be tolerated by in silico analysis. Based on the available evidence, the clinical significance of this variant remains unclear.

All of Us Research Program, National Institutes of Health
Classification: Uncertain significance for Wilms tumor 1. Last evaluated: 2023-10-27. Review status: criteria provided, single submitter. Criteria: ACMG Guidelines, 2015. Collection method: clinical testing. Allele origin: germline. Inheritance: Autosomal dominant inheritance. Observed: 2 variant alleles, 2 heterozygotes.
Comment: This missense variant replaces alanine with glutamic acid at codon 61 of the WT1 protein. Computational prediction suggests that this variant may not impact protein structure and function (internally defined REVEL score threshold <= 0.5, PMID: 27666373). To our knowledge, functional studies have not been reported for this variant. This variant has not been reported in individuals affected with WT1-related disorders in the literature. This variant has not been identified in the general population by the Genome Aggregation Database (gnomAD). The available evidence is insufficient to determine the role of this variant in disease conclusively. Therefore, this variant is classified as a Variant of Uncertain Significance.

This study involves interpretation of variants in research participants for the purpose of population health screening. Participant phenotype was not available at the time of variant classification. Additional details can be found in publication PMID: 35346344, PMCID: PMC8962531

Baylor Genetics
Classification: Uncertain significance for Drash syndrome. Last evaluated: 2023-10-22. Review status: criteria provided, single submitter. Criteria: ACMG Guidelines, 2015. Collection method: clinical testing. Allele origin: unknown.

Labcorp Genetics (formerly Invitae), Labcorp
Classification: Uncertain significance for Wilms tumor 1; Drash syndrome; 11p partial monosomy syndrome; Frasier syndrome. Last evaluated: 2023-05-01. Review status: criteria provided, single submitter. Criteria: Invitae Variant Classification Sherloc (09022015). Collection method: clinical testing. Allele origin: germline.
Comment: In summary, the available evidence is currently insufficient to determine the role of this variant in disease. Therefore, it has been classified as a Variant of Uncertain Significance. Algorithms developed to predict the effect of missense changes on protein structure and function output the following: SIFT: "Not Available"; PolyPhen-2: "Benign"; Align-GVGD: "Not Available". The glutamic acid amino acid residue is found in multiple mammalian species, which suggests that this missense change does not adversely affect protein function. ClinVar contains an entry for this variant (Variation ID: 1044731). This variant has not been reported in the literature in individuals affected with WT1-related conditions. This variant is not present in population databases (gnomAD no frequency). This sequence change replaces alanine, which is neutral and non-polar, with glutamic acid, which is acidic and polar, at codon 61 of the WT1 protein (p.Ala61Glu).

Mendelics
Classification: Uncertain significance. Last evaluated: 2022-05-04. Review status: criteria provided, single submitter. Criteria: Mendelics Assertion Criteria 2019. Collection method: clinical testing. Allele origin: germline.

NM_024426.6(WT1):c.197C>A (p.Ala66Glu)

Genes: WT1 (WT1 transcription factor; minus strand), LOC107982234 (WT1/WT1-AS bi-directional promoter region; plus strand). Cytogenetic location: 11p13.
Variant type: single nucleotide variant.
Coding change: c.197C>A on transcript NM_024426.6 (MANE Select); coding-DNA position 197, C replaced by A.
Protein change: p.Ala66Glu; replaces alanine 66 with glutamic acid.
Molecular consequence: missense variant. On other transcripts: non-coding transcript variant (1).
Genome position (GRCh38, 1-based): chr11:32,435,164, G>T on the plus strand (C>A on the coding strand, the complement: WT1 is on the minus strand). VCF-style: chr11-32435164-G-T. GRCh37 (hg19) VCF-style: chr11-32456710-G-T.
Other names: c.182C>A (NM_024426.4); c.197C>A, p.Ala66Glu (NM_000378.6, NM_024424.5); short protein forms A66E.
Identifiers: ClinVar variation 1044731 (VCV001044731.11), dbSNP rs1341675324, ClinGen allele CA379966182.